The following is an entry in ClinVar:

ClinVar aggregate classification (germline): Likely benign (0 of 4 stars; one submission).

Conditions:
FAM131A-related disorder. Also called: FAM131A-related condition.

Submission:

PreventionGenetics, part of Exact Sciences
Classification: Likely benign for FAM131A-related condition. Last evaluated: 2019-06-03. Review status: no assertion criteria provided. Collection method: clinical testing. Allele origin: germline.
Comment: This variant is classified as likely benign based on ACMG/AMP sequence variant interpretation guidelines (Richards et al. 2015 PMID: 25741868, with internal and published modifications).

NM_144635.5(FAM131A):c.1086G>A (p.Glu362=)

Gene: FAM131A (family with sequence similarity 131 member A; plus strand). Cytogenetic location: 3q27.1.
Variant type: single nucleotide variant.
Coding change: c.1086G>A on transcript NM_144635.5 (MANE Select); coding-DNA position 1086, G replaced by A.
Protein change: p.Glu362=; no amino-acid change (glutamic acid 362 retained).
Molecular consequence: synonymous variant.
Genome position (GRCh38, 1-based): chr3:184,344,955, G>A. VCF-style: chr3-184344955-G-A. GRCh37 (hg19) VCF-style: chr3-184062743-G-A.
Other names: c.831G>A, p.Glu277= (NM_001171093.2, NM_001366133.1, NM_001366134.1).
Identifiers: ClinVar variation 3043831 (VCV003043831.2), dbSNP rs2474214854, ClinGen allele CA437331771.